The following is an entry in ClinVar:

NM_022773.4(LMF1):c.631C>T (p.Arg211Trp)

Gene: LMF1 (lipase maturation factor 1; minus strand). Cytogenetic location: 16p13.3.
Variant type: single nucleotide variant.
Coding change: c.631C>T on transcript NM_022773.4 (MANE Select); coding-DNA position 631, C replaced by T.
Protein change: p.Arg211Trp; replaces arginine 211 with tryptophan.
Molecular consequence: missense variant. On other transcripts: 5 prime UTR variant (2), non-coding transcript variant (1).
Genome position (GRCh38, 1-based): chr16:910,963, G>A on the plus strand (C>T on the coding strand, the complement: LMF1 is on the minus strand). VCF-style: chr16-910963-G-A. GRCh37 (hg19) VCF-style: chr16-960963-G-A.
Other names: c.-21C>T (NM_001352017.2, NM_001352021.2); c.232C>T, p.Arg78Trp (NM_001352018.2); c.304C>T, p.Arg102Trp (NM_001352019.2); c.631C>T, p.Arg211Trp (NM_001352020.1); short protein forms R211W, R78W, R102W.
Identifiers: ClinVar variation 2531353 (VCV002531353.3), dbSNP rs764576629, ClinGen allele CA7797446.

ClinVar aggregate classification (germline): Uncertain significance (1 of 4 stars; one submission).

Conditions:
Cardiovascular phenotype. Identifiers: MedGen CN230736.

Allele frequency attached by ClinVar (database versions not stated): TOPMed below 0.00001; ExAC 0.00001.

Submission:

Ambry Genetics
Classification: Uncertain significance for Cardiovascular phenotype. Last evaluated: 2025-11-10. Review status: criteria provided, single submitter. Criteria: Ambry Variant Classification Scheme 2023. Collection method: clinical testing. Allele origin: germline.
Comment: The p.R211W variant (also known as c.631C>T), located in coding exon 4 of the LMF1 gene, results from a C to T substitution at nucleotide position 631. The arginine at codon 211 is replaced by tryptophan, an amino acid with dissimilar properties. This amino acid position is conserved. In addition, the in silico prediction for this alteration is inconclusive. Based on the available evidence, the clinical significance of this variant remains unclear.